The following is an entry in ClinVar:

ClinVar aggregate classification (germline): Likely pathogenic (1 of 4 stars; one submission).

Conditions:
Spastic paraplegia. Identifiers: MedGen C0037772, HP:0001258.

Submission:

Labcorp Genetics (formerly Invitae), Labcorp
Classification: Likely pathogenic for Spastic paraplegia. Last evaluated: 2022-12-14. Review status: criteria provided, single submitter. Criteria: Invitae Variant Classification Sherloc (09022015). Collection method: clinical testing. Allele origin: germline.
Comment: In summary, the currently available evidence indicates that the variant is pathogenic, but additional data are needed to prove that conclusively. Therefore, this variant has been classified as Likely Pathogenic. This sequence change affects an acceptor splice site in intron 12 of the KDM5C gene. It is expected to disrupt RNA splicing. Variants that disrupt the donor or acceptor splice site typically lead to a loss of protein function (PMID: 16199547), and loss-of-function variants in KDM5C are known to be pathogenic (PMID: 15586325, 18697827). This variant is not present in population databases (gnomAD no frequency). This variant has not been reported in the literature in individuals affected with KDM5C-related conditions. Algorithms developed to predict the effect of sequence changes on RNA splicing suggest that this variant may disrupt the consensus splice site.

Literature cited by the submitters: PubMed 16199547; PubMed 15586325; PubMed 18697827.

NM_004187.5(KDM5C):c.1747-2A>T

Gene: KDM5C (lysine demethylase 5C; minus strand). Cytogenetic location: Xp11.22.
Variant type: single nucleotide variant.
Coding change: c.1747-2A>T on transcript NM_004187.5 (MANE Select); the canonical splice acceptor site of the intron before coding-DNA position 1747, A replaced by T.
Molecular consequence: splice acceptor variant.
Genome position (GRCh38, 1-based): chrX:53,201,975, T>A on the plus strand (A>T on the coding strand, the complement: KDM5C is on the minus strand). VCF-style: chrX-53201975-T-A. GRCh37 (hg19) VCF-style: chrX-53231157-T-A.
Other names: c.1744-2A>T (NM_001353982.2, NM_001353979.2, NM_001282622.3); c.1747-2A>T (NM_001353981.2, NM_001353984.2, NM_001353978.3); c.1546-2A>T (NM_001146702.2).
Identifiers: ClinVar variation 2026463 (VCV002026463.4), dbSNP rs2519443119, ClinGen allele CA413125129.